The following is an entry in ClinVar:

ClinVar aggregate classification (germline): Pathogenic. Review status: criteria provided, multiple submitters, no conflicts (2 of 4 stars). 3 submissions from 3 submitters: Pathogenic (3). Last evaluated 2023-11-13.

Conditions:
Neurodegenerative disorder, X-linked, female-restricted, with parkinsonism and cognitive impairment. Identifiers: MedGen C6012689, MONDO:0976236, OMIM 301142.
Christianson syndrome (MRXSCH). Also called: SLC9A6-Related Syndromic Mental Retardation; X-linked mental retardation, syndromic, Christianson type; INTELLECTUAL DEVELOPMENTAL DISORDER, X-LINKED, SYNDROMIC, CHRISTIANSON TYPE. Identifiers: Orphanet 85278, MedGen C2678194, MONDO:0010278, OMIM 300243.

Submissions (4):

Labcorp Genetics (formerly Invitae), Labcorp
Classification: Pathogenic for Christianson syndrome. Last evaluated: 2023-11-13. Review status: criteria provided, single submitter. Criteria: Invitae Variant Classification Sherloc (09022015). Collection method: clinical testing. Allele origin: germline.
Comment: This sequence change affects a donor splice site in intron 6 of the SLC9A6 gene. It is expected to disrupt RNA splicing. Variants that disrupt the donor or acceptor splice site typically lead to a loss of protein function (PMID: 16199547), and loss-of-function variants in SLC9A6 are known to be pathogenic (PMID: 18342287). This variant is not present in population databases (gnomAD no frequency). Disruption of this splice site has been observed in individuals with SLC9A6-related conditions (PMID: 35032046, 35334527). It has also been observed to segregate with disease in related individuals. This variant is also known as c.899+1G>A. ClinVar contains an entry for this variant (Variation ID: 432837). Algorithms developed to predict the effect of sequence changes on RNA splicing suggest that this variant may disrupt the consensus splice site. For these reasons, this variant has been classified as Pathogenic.

GeneDx
Classification: Pathogenic. Last evaluated: 2018-12-14. Review status: criteria provided, single submitter. Criteria: GeneDx Variant Classification (06012015). Collection method: clinical testing. Allele origin: germline. Affected: yes.
Comment: The c.803+1G>A variant in the SLC9A6 gene has not been reported previously as a pathogenic variant nor as a benign variant, to our knowledge. This splice site variant destroys the canonical splice donor site in intron 6. It is predicted to cause abnormal gene splicing, either leading to an abnormal message that is subject to nonsense-mediated mRNA decay, or to an abnormal protein product if the message is used for protein translation. The c.803+1G>A variant is not observed in large population cohorts (Lek et al., 2016; 1000 Genomes Consortium et al., 2015; Exome Variant Server). We interpret c.803+1G>A as a pathogenic variant.

Juno Genomics, Hangzhou Juno Genomics, Inc
Classification: Pathogenic for Neurodegenerative disorder, X-linked, female-restricted, with parkinsonism and cognitive impairment; Christianson syndrome. Review status: criteria provided, single submitter. Criteria: ACMG Guidelines, 2015. Collection method: clinical testing. Allele origin: germline. Affected: yes.
Comment: Absent from controls (or at extremely low frequency if recessive) in Genome Aggregation Database.;Null variant in a gene where loss of function (LOF) is a known mechanism of disease.;The prevalence of the variant in affected individuals is significantly increased compared to the prevalence in controls.;Co-segregation with disease in multiple affected family members.

Dr. Peter K. Rogan Lab, Western University
No classification provided (evidence only). Condition: Thyroid cancer, nonmedullary, 1. Review status: no classification provided. Collection method: in vitro. Allele origin: not applicable. Functional consequence: retained intron. Not counted in ClinVar's aggregate classification.

Literature cited by the submitters: PubMed 16199547 (cited by Labcorp Genetics (formerly Invitae), Labcorp); PubMed 18342287 (cited by Labcorp Genetics (formerly Invitae), Labcorp); PubMed 35032046 (cited by Labcorp Genetics (formerly Invitae), Labcorp); PubMed 35334527 (cited by Labcorp Genetics (formerly Invitae), Labcorp).

NM_001379110.1(SLC9A6):c.743+1G>A

Gene: SLC9A6 (solute carrier family 9 member A6; plus strand). Cytogenetic location: Xq26.3.
Variant type: single nucleotide variant.
Coding change: c.743+1G>A on transcript NM_001379110.1 (MANE Select); the canonical splice donor site of the intron after coding-DNA position 743, G replaced by A.
Molecular consequence: splice donor variant.
Genome position (GRCh38, 1-based): chrX:136,002,214, G>A. VCF-style: chrX-136002214-G-A. GRCh37 (hg19) VCF-style: chrX-135084373-G-A.
Other names: c.743+1G>A (NM_001400909.1, NM_001400910.1, NM_001400911.1 and 2 more transcripts); c.899+1G>A (NM_001042537.2); c.803+1G>A (NM_006359.3); c.647+1G>A (NM_001400913.1, NM_001330652.2).
Identifiers: ClinVar variation 432837 (VCV000432837.12), dbSNP rs1556617455, ClinGen allele CA414750658.